The following is an entry in ClinVar:

NM_014141.6(CNTNAP2):c.681C>A (p.His227Gln)

Gene: CNTNAP2 (contactin associated protein 2; plus strand). Cytogenetic location: 7q35.
Variant type: single nucleotide variant.
Coding change: c.681C>A on transcript NM_014141.6 (MANE Select); coding-DNA position 681, C replaced by A.
Protein change: p.His227Gln; replaces histidine 227 with glutamine.
Molecular consequence: missense variant.
Genome position (GRCh38, 1-based): chr7:147,108,277, C>A. VCF-style: chr7-147108277-C-A. GRCh37 (hg19) VCF-style: chr7-146805369-C-A.
Other names: short protein forms H227Q.
Identifiers: ClinVar variation 1179560 (VCV001179560.6), dbSNP rs142984073, ClinGen allele CA4545861.

ClinVar aggregate classification (germline): Uncertain significance. Review status: criteria provided, multiple submitters, no conflicts (2 of 4 stars). 3 submissions from 3 submitters: Uncertain significance (3). Last evaluated 2023-12-22.

Conditions:
Cortical dysplasia-focal epilepsy syndrome (PTHSL1). Also called: Pitt-Hopkins-like syndrome 1. Identifiers: Orphanet 163681, Orphanet 221150, MedGen C2750246, MONDO:0012400, OMIM 610042.
Autism, susceptibility to, 15. Also called: Autism susceptibility 15. Identifiers: MedGen C2677504, MONDO:0012801, OMIM 612100.

gnomAD v4.1: 8 of 1,613,550 alleles (0.0005%); highest among the groups gnomAD compares: East Asian, 0.013%; no homozygotes.

Submissions (3):

Fulgent Genetics
Classification: Uncertain significance for Cortical dysplasia-focal epilepsy syndrome; Autism, susceptibility to, 15. Last evaluated: 2023-12-22. Review status: criteria provided, single submitter. Criteria: ACMG Guidelines, 2015. Collection method: clinical testing. Allele origin: germline.

GeneDx
Classification: Uncertain significance. Last evaluated: 2021-04-01. Review status: criteria provided, single submitter. Criteria: GeneDx Variant Classification Process June 2021. Collection method: clinical testing. Allele origin: germline. Affected: yes.
Comment: In silico analysis supports that this missense variant has a deleterious effect on protein structure/function; Has not been previously published as pathogenic or benign to our knowledge

Revvity Omics, Revvity
Classification: Uncertain significance for Cortical dysplasia-focal epilepsy syndrome. Last evaluated: 2020-03-11. Review status: criteria provided, single submitter. Criteria: ACMG Guidelines, 2015. Collection method: clinical testing. Allele origin: germline.